The following is an entry in ClinVar:

ClinVar aggregate classification (germline): Uncertain significance. Review status: criteria provided, multiple submitters, no conflicts (2 of 4 stars). 2 submissions from 2 submitters: Uncertain significance (2). Last evaluated 2026-03-23.

Conditions:
Hereditary cancer-predisposing syndrome. Also called: Tumor predisposition; Hereditary neoplastic syndrome; Neoplastic Syndromes, Hereditary; Hereditary Cancer Syndrome. Identifiers: Orphanet 140162, MedGen C0027672, MeSH D009386, MONDO:0015356.

Allele frequency attached by ClinVar (database versions not stated): gnomAD exomes below 0.00001; TOPMed below 0.00001.
gnomAD v4.1: 1 of 1,607,270 alleles (0.000062%); highest among the groups gnomAD compares: Admixed American, 0.0017%; no homozygotes.

Submissions (2):

Ambry Genetics
Classification: Uncertain significance for Hereditary cancer-predisposing syndrome. Last evaluated: 2026-03-23. Review status: criteria provided, single submitter. Criteria: Ambry Variant Classification Scheme 2023. Collection method: clinical testing. Allele origin: germline.
Comment: The p.L2284Q variant (also known as c.6851T>A), located in coding exon 49 of the POLE gene, results from a T to A substitution at nucleotide position 6851. The leucine at codon 2284 is replaced by glutamine, an amino acid with dissimilar properties. This amino acid position is conserved. In addition, this alteration is predicted to be tolerated by in silico analysis. Based on the available evidence, the clinical significance of this variant remains unclear.

Labcorp Genetics (formerly Invitae), Labcorp
Classification: Uncertain significance. Last evaluated: 2025-09-15. Review status: criteria provided, single submitter. Criteria: Invitae Variant Classification Sherloc (09022015). Collection method: clinical testing. Allele origin: germline.
Comment: This sequence change replaces leucine, which is neutral and non-polar, with glutamine, which is neutral and polar, at codon 2284 of the POLE protein (p.Leu2284Gln). This variant is not present in population databases (gnomAD no frequency). This variant has not been reported in the literature in individuals affected with POLE-related conditions. ClinVar contains an entry for this variant (Variation ID: 473817). An algorithm developed to predict the effect of missense changes on protein structure and function (PolyPhen-2) suggests that this variant is likely to be tolerated. In summary, the available evidence is currently insufficient to determine the role of this variant in disease. Therefore, it has been classified as a Variant of Uncertain Significance.

NM_006231.4(POLE):c.6851T>A (p.Leu2284Gln)

Gene: POLE (DNA polymerase epsilon, catalytic subunit; minus strand). Cytogenetic location: 12q24.33.
Variant type: single nucleotide variant.
Coding change: c.6851T>A on transcript NM_006231.4 (MANE Select); coding-DNA position 6851, T replaced by A.
Protein change: p.Leu2284Gln; replaces leucine 2284 with glutamine.
Molecular consequence: missense variant.
Genome position (GRCh38, 1-based): chr12:132,624,707, A>T on the plus strand (T>A on the coding strand, the complement: POLE is on the minus strand). VCF-style: chr12-132624707-A-T. GRCh37 (hg19) VCF-style: chr12-133201293-A-T.
Other names: c.6851T>A (NM_006231.2); short protein forms L2284Q.
Identifiers: ClinVar variation 473817 (VCV000473817.12), dbSNP rs1555300706, ClinGen allele CA387365568.
Genomic context (GRCh38, chr12:132,624,707, plus strand): 5'-GCATCAGGAGGCCTGGCACGGACGCAGAGGCACCCGGGGCCCGGGGCTGGCTAATGGCCC[A>T]GCTGTGGGTTCTTCTGCAGCAGCCACTCCAGGGTCTCCAGGAGGTACGACATGCCGTAGT-3'
Protein context (NP_006222.2, residues 2274-2286): LEWLLQKNPQ[Leu2284Gln]GH